The following is an entry in ClinVar:

NM_001371986.1(UNC80):c.6184A>T (p.Lys2062Ter)

Gene: UNC80 (unc-80 subunit of NALCN channel complex; plus strand). Cytogenetic location: 2q34.
Variant type: single nucleotide variant.
Coding change: c.6184A>T on transcript NM_001371986.1 (MANE Select); coding-DNA position 6184, A replaced by T.
Protein change: p.Lys2062Ter; replaces lysine 2062 with a stop codon.
Molecular consequence: nonsense.
Genome position (GRCh38, 1-based): chr2:209,935,719, A>T. VCF-style: chr2-209935719-A-T. GRCh37 (hg19) VCF-style: chr2-210800443-A-T.
Other names: c.5986A>T, p.Lys1996Ter (NM_032504.2); c.5971A>T, p.Lys1991Ter (NM_182587.4); short protein forms K1996*, K2062*, K1991*.
Identifiers: ClinVar variation 2043606 (VCV002043606.4), dbSNP rs2471157408, ClinGen allele CA350769812.
Genomic context (GRCh38, chr2:209,935,719, plus strand): 5'-AAATACAAATTTTCTATAGTAAAAGTCAGTTTGTTATTATTTTTATCATCTGTAGGTACT[A>T]AAACCTTGGTAGTTCATGGACAGAATGAGTGCGATATCCCAACCCAGTTACCAGTCCATG-3'

ClinVar aggregate classification (germline): Pathogenic (1 of 4 stars; one submission).

Allele frequency attached by ClinVar (database versions not stated): gnomAD exomes below 0.00001.
gnomAD v4.1: 1 of 1,518,702 alleles (0.000066%); highest among the groups gnomAD compares: Non-Finnish European, 0.000088%; no homozygotes.

Submission:

Labcorp Genetics (formerly Invitae), Labcorp
Classification: Pathogenic. Last evaluated: 2023-06-05. Review status: criteria provided, single submitter. Criteria: Invitae Variant Classification Sherloc (09022015). Collection method: clinical testing. Allele origin: germline.
Comment: For these reasons, this variant has been classified as Pathogenic. ClinVar contains an entry for this variant (Variation ID: 2043606). This variant has not been reported in the literature in individuals affected with UNC80-related conditions. This variant is not present in population databases (gnomAD no frequency). This sequence change creates a premature translational stop signal (p.Lys1996*) in the UNC80 gene. It is expected to result in an absent or disrupted protein product. Loss-of-function variants in UNC80 are known to be pathogenic (PMID: 26545877, 26708751, 26708753).

Literature cited by the submitters: PubMed 26545877; PubMed 26708751; PubMed 26708753.